The following is an entry in ClinVar:

ClinVar aggregate classification (germline): Uncertain significance. Review status: reviewed by expert panel (3 of 4 stars). 4 submissions from 4 submitters: Uncertain significance (1). 3 of the submissions do not count toward it. Last evaluated 2026-05-05.

Conditions:
Inborn genetic diseases. Identifiers: MedGen C0950123, MeSH D030342.
ABCA4-related retinopathy. Also called: ABCA4 retinoapthy; ABCA4-related retinoapthy. Identifiers: MedGen CN322612, MONDO:0800406.

Allele frequency attached by ClinVar (database versions not stated): ExAC 0.00003; gnomAD exomes 0.00004 and 0.00010; gnomAD 0.00021 and 0.00023; TOPMed 0.00022; 1000 Genomes Project 30x 0.00031; 1000 Genomes Project 0.00040.
gnomAD v4.1: 92 of 1,612,984 alleles (0.0057%); highest among the groups gnomAD compares: Admixed American, 0.077%; 1 homozygote.

Submissions (4):

ClinGen ABCA4 Variant Curation Expert Panel, Clingen
Classification: Uncertain significance for ABCA4-related retinopathy. Last evaluated: 2026-05-05. Review status: reviewed by expert panel. Criteria: ClinGen ABCA4 ACMG Specifications V1.0.0. Collection method: curation. Allele origin: germline. Inheritance: Autosomal recessive inheritance.
Comment: The NM_000350.3(ABCA4):c.3889G>A variant in ABCA4 is a missense variant predicted to cause substitution of valine by isoleucine at amino acid 1297 (p.Val1297Ile). The total minor allele frequency in gnomAD v4.1.0 is 0.00005704 (92/1612984 alleles), which is lower than the ClinGen ABCA4 VCEP’s threshold for PM2_Supporting (<0.0001). The computational predictor REVEL gives a score of 0.275, which is in the range of 0.184-0.290 meeting BP4. To our knowledge, this variant has not been reported in the literature in any individuals with ABCA4-related retinopathy. In summary, this variant meets the criteria to be classified as a VUS for ABCA4-related retinopathy based on the ACMG/AMP criteria applied, as specified by the ClinGen ABCA4 VCEP specification version 1.0.0: PM2_Supporting, BP4.

Labcorp Genetics (formerly Invitae), Labcorp
Classification: Likely benign. Last evaluated: 2026-01-27. Review status: criteria provided, single submitter. Criteria: Invitae Variant Classification Sherloc (09022015). Collection method: clinical testing. Allele origin: germline. Not counted in ClinVar's aggregate classification.

Blueprint Genetics
Classification: Uncertain significance. Last evaluated: 2024-01-10. Review status: criteria provided, single submitter. Criteria: ACMG Guidelines, 2015. Collection method: clinical testing. Allele origin: germline. Not counted in ClinVar's aggregate classification.

Ambry Genetics
Classification: Likely benign for Inborn genetic diseases. Last evaluated: 2023-02-22. Review status: criteria provided, single submitter. Criteria: Ambry Variant Classification Scheme 2023. Collection method: clinical testing. Allele origin: germline. Not counted in ClinVar's aggregate classification.

NM_000350.3(ABCA4):c.3889G>A (p.Val1297Ile)

Gene: ABCA4 (ATP binding cassette subfamily A member 4; minus strand). Cytogenetic location: 1p22.1.
Variant type: single nucleotide variant.
Coding change: c.3889G>A on transcript NM_000350.3 (MANE Select); coding-DNA position 3889, G replaced by A.
Protein change: p.Val1297Ile; replaces valine 1297 with isoleucine.
Molecular consequence: missense variant.
Genome position (GRCh38, 1-based): chr1:94,032,017, C>T on the plus strand (G>A on the coding strand, the complement: ABCA4 is on the minus strand). VCF-style: chr1-94032017-C-T. GRCh37 (hg19) VCF-style: chr1-94497573-C-T.
Other names: NM_000350.3(ABCA4):c.3889G>A; p.Val1297Ile; c.3667G>A, p.Val1223Ile (NM_001425324.1); short protein forms V1297I, V1223I.
Identifiers: ClinVar variation 1559116 (VCV001559116.11), dbSNP rs200753584, ClinGen allele CA957775.